The following is an entry in ClinVar:

ClinVar aggregate classification (germline): Benign. Review status: criteria provided, multiple submitters, no conflicts (2 of 4 stars). 4 submissions from 4 submitters: Benign (4). Last evaluated 2025-01-21.

Conditions:
SLCO1B1-related disorder. Also called: SLCO1B1-related condition.
Rotor syndrome (HBLRR). Also called: HYPERBILIRUBINEMIA, ROTOR TYPE, DIGENIC; HYPERBILIRUBINEMIA, ROTOR TYPE. Identifiers: Orphanet 3111, MedGen C0220991, MONDO:0009379, OMIM 237450.

Allele frequency attached by ClinVar (database versions not stated): ExAC 0.00821; gnomAD 0.01133 and 0.01173; TOPMed 0.01258; ESP Exome Variant Server 0.01330; 1000 Genomes Project 0.01597; 1000 Genomes Project 30x 0.01671.
gnomAD v4.1: 6,253 of 1,612,214 alleles (0.39%); highest among the groups gnomAD compares: African/African-American, 3.7%; 168 homozygotes.

Submissions (4):

ARUP Laboratories, Molecular Genetics and Genomics, ARUP Laboratories
Classification: Benign for Rotor syndrome. Last evaluated: 2025-01-21. Review status: criteria provided, single submitter. Criteria: ARUP Molecular Germline Variant Investigation Process 2024. Collection method: clinical testing. Allele origin: germline.

PreventionGenetics, part of Exact Sciences
Classification: Benign for SLCO1B1-related condition. Last evaluated: 2024-12-11. Review status: criteria provided, single submitter. Criteria: ACMG Guidelines, 2015. Collection method: clinical testing. Allele origin: germline.
Comment: This variant is classified as benign based on ACMG/AMP sequence variant interpretation guidelines (Richards et al. 2015 PMID: 25741868, with internal and published modifications).

Illumina Laboratory Services, Illumina
Classification: Benign for Rotor syndrome. Last evaluated: 2018-01-13. Review status: criteria provided, single submitter. Criteria: ICSL Variant Classification Criteria 13 December 2019. Collection method: clinical testing. Allele origin: germline.
Comment: This variant was observed in the ICSL laboratory as part of a predisposition screen in an ostensibly healthy population. It had not been previously curated by ICSL or reported in the Human Gene Mutation Database (HGMD: prior to June 1st, 2018), and was therefore a candidate for classification through an automated scoring system. Utilizing variant allele frequency, disease prevalence and penetrance estimates, and inheritance mode, an automated score was calculated to assess if this variant is too frequent to cause the disease. Based on the score and internal cut-off values, a variant classified as benign is not then subjected to further curation. The score for this variant resulted in a classification of benign for this disease.

Breakthrough Genomics
Classification: Benign. Review status: criteria provided, single submitter. Criteria: ACMG Guidelines, 2015. Collection method: not provided. Allele origin: germline. Inheritance: Autosomal recessive inheritance. Affected: yes.

NM_006446.5(SLCO1B1):c.1452C>T (p.Pro484=)

Gene: SLCO1B1 (solute carrier organic anion transporter family member 1B1; plus strand). Cytogenetic location: 12p12.1.
Variant type: single nucleotide variant.
Coding change: c.1452C>T on transcript NM_006446.5 (MANE Select); coding-DNA position 1452, C replaced by T.
Protein change: p.Pro484=; no amino-acid change (proline 484 retained).
Molecular consequence: synonymous variant.
Genome position (GRCh38, 1-based): chr12:21,205,988, C>T. VCF-style: chr12-21205988-C-T. GRCh37 (hg19) VCF-style: chr12-21358922-C-T.
Other names: c.1452C>T (LRG_1022t1).
Identifiers: ClinVar variation 307952 (VCV000307952.22), dbSNP rs74064211, ClinGen allele CA6477015.